The following is an entry in ClinVar:

NM_012338.4(TSPAN12):c.547del (p.Val183fs)

Gene: TSPAN12 (tetraspanin 12; minus strand). Cytogenetic location: 7q31.31.
Variant type: Deletion.
Coding change: c.547del on transcript NM_012338.4 (MANE Select); coding-DNA position 547, one base deleted (G; older notation c.547delG).
Protein change: p.Val183fs; shifts the reading frame from valine 183.
Molecular consequence: frameshift variant.
Genome position (GRCh38, 1-based): chr7:120,806,614, C deleted on the plus strand (G on the coding strand, the reverse complement: TSPAN12 is on the minus strand). VCF-style (leftmost placement, unchanged base first): chr7-120806613-AC-A. GRCh37 (hg19) VCF-style: chr7-120446667-AC-A.
Other names: short protein forms V183fs.
Identifiers: ClinVar variation 1071783 (VCV001071783.9), dbSNP rs2116348265, ClinGen allele CA2499218701.

ClinVar aggregate classification (germline): Pathogenic (1 of 4 stars; one submission).

Submission:

Labcorp Genetics (formerly Invitae), Labcorp
Classification: Pathogenic. Last evaluated: 2020-02-19. Review status: criteria provided, single submitter. Criteria: Invitae Variant Classification Sherloc (09022015). Collection method: clinical testing. Allele origin: germline.
Comment: This variant disrupts the C-terminus of the TSPAN12 protein. Other variant(s) that disrupt this region (p.His194Profs*2) have been determined to be pathogenic (PMID: 25711638). This suggests that variants that disrupt this region of the protein are likely to be causative of disease. For these reasons, this variant has been classified as Pathogenic. This sequence change results in a premature translational stop signal in the TSPAN12 gene (p.Val183Leufs*32). While this is not anticipated to result in nonsense mediated decay, it is expected to disrupt the last 123 amino acids of the TSPAN12 protein. This variant has been observed in individual(s) with familial exudative vitreoretinopathy (Invitae). This variant is not present in population databases (ExAC no frequency).

Literature cited by the submitters: PubMed 25711638.